The following is an entry in ClinVar:

NM_016507.4(CDK12):c.1591A>C (p.Thr531Pro)

Gene: CDK12 (cyclin dependent kinase 12; plus strand). Cytogenetic location: 17q12.
Variant type: single nucleotide variant.
Coding change: c.1591A>C on transcript NM_016507.4 (MANE Select); coding-DNA position 1591, A replaced by C.
Protein change: p.Thr531Pro; replaces threonine 531 with proline.
Molecular consequence: missense variant.
Genome position (GRCh38, 1-based): chr17:39,471,423, A>C. VCF-style: chr17-39471423-A-C. GRCh37 (hg19) VCF-style: chr17-37627676-A-C.
Other names: c.1591A>C, p.Thr531Pro (NM_015083.4); short protein forms T531P.
Identifiers: ClinVar variation 3999439 (VCV003999439.1).

ClinVar aggregate classification (germline): Uncertain significance (1 of 4 stars; one submission).

gnomAD v4.1: 1 of 1,613,426 alleles (0.000062%); highest among the groups gnomAD compares: Non-Finnish European, 0.000085%; no homozygotes.

Submission:

Ambry Genetics
Classification: Uncertain significance. Last evaluated: 2025-05-09. Review status: criteria provided, single submitter. Criteria: Ambry Variant Classification Scheme 2023. Collection method: clinical testing. Allele origin: germline.
Comment: The p.T531P variant (also known as c.1591A>C), located in coding exon 2 of the CDK12 gene, results from an A to C substitution at nucleotide position 1591. The threonine at codon 531 is replaced by proline, an amino acid with highly similar properties. This amino acid position is conserved. In addition, this alteration is predicted to be tolerated by in silico analysis. Based on the available evidence, the clinical significance of this variant remains unclear.